The following is an entry in ClinVar:

NM_005076.5(CNTN2):c.1516C>T (p.Arg506Ter)

Gene: CNTN2 (contactin 2; plus strand). Cytogenetic location: 1q32.1.
Variant type: single nucleotide variant.
Coding change: c.1516C>T on transcript NM_005076.5 (MANE Select); coding-DNA position 1516, C replaced by T.
Protein change: p.Arg506Ter; replaces arginine 506 with a stop codon.
Molecular consequence: nonsense. On other transcripts: non-coding transcript variant (1).
Genome position (GRCh38, 1-based): chr1:205,064,747, C>T. VCF-style: chr1-205064747-C-T. GRCh37 (hg19) VCF-style: chr1-205033875-C-T.
Other names: c.1516C>T, p.Arg506Ter (NM_001346083.2); short protein forms R506*.
Identifiers: ClinVar variation 659979 (VCV000659979.9), dbSNP rs114903768, ClinGen allele CA1351394.

ClinVar aggregate classification (germline): Conflicting classifications of pathogenicity. Review status: criteria provided, conflicting classifications (1 of 4 stars). 3 submissions from 3 submitters: Pathogenic (2); Uncertain significance (1). Last evaluated 2024-11-19.

Conditions:
Epilepsy, familial adult myoclonic, 5 (EPEO5). Also called: CORTICAL MYOCLONIC TREMOR WITH EPILEPSY, FAMILIAL, 5. Identifiers: Orphanet 86814, MedGen C3809374, MONDO:0014167, OMIM 615400.

Allele frequency attached by ClinVar (database versions not stated): TOPMed 0.00002.
gnomAD v4.1: 14 of 1,613,804 alleles (0.00087%); highest among the groups gnomAD compares: African/African-American, 0.0027%; no homozygotes.

Submissions (3):

Women's Health and Genetics/Laboratory Corporation of America, LabCorp
Classification: Pathogenic for Epilepsy, familial adult myoclonic, 5. Last evaluated: 2024-11-19. Review status: criteria provided, single submitter. Criteria: LabCorp Variant Classification Summary - May 2015. Collection method: clinical testing. Allele origin: germline.
Comment: Variant summary: CNTN2 c.1516C>T (p.Arg506X) results in a premature termination codon, predicted to cause a truncation of the encoded protein or absence of the protein due to nonsense mediated decay, which are commonly known mechanisms for disease. The variant allele was found at a frequency of 1.2e-05 in 247468 control chromosomes. To our knowledge, no occurrence of c.1516C>T in individuals affected with Epilepsy, Familial Adult Myoclonic, 5 and no experimental evidence demonstrating its impact on protein function have been reported. ClinVar contains an entry for this variant (Variation ID: 659979). Based on the evidence outlined above, the variant was classified as pathogenic.

Labcorp Genetics (formerly Invitae), Labcorp
Classification: Pathogenic for Epilepsy, familial adult myoclonic, 5. Last evaluated: 2022-10-25. Review status: criteria provided, single submitter. Criteria: Invitae Variant Classification Sherloc (09022015). Collection method: clinical testing. Allele origin: germline.
Comment: For these reasons, this variant has been classified as Pathogenic. ClinVar contains an entry for this variant (Variation ID: 659979). This variant has not been reported in the literature in individuals affected with CNTN2-related conditions. The frequency data for this variant in the population databases is considered unreliable, as metrics indicate poor data quality at this position in the gnomAD database. This sequence change creates a premature translational stop signal (p.Arg506*) in the CNTN2 gene. It is expected to result in an absent or disrupted protein product. Loss-of-function variants in CNTN2 are known to be pathogenic (PMID: 11178983, 23518707).

GeneDx
Classification: Uncertain significance. Last evaluated: 2019-11-26. Review status: criteria provided, single submitter. Criteria: GeneDx Variant Classification Process June 2021. Collection method: clinical testing. Allele origin: germline. Affected: yes.
Comment: Nonsense variant predicted to result in protein truncation or nonsense mediated decay in a gene for which loss-of-function is a known mechanism of disease; Has not been previously published as pathogenic or benign to our knowledge

Literature cited by the submitters: PubMed 11178983 (cited by Labcorp Genetics (formerly Invitae), Labcorp); PubMed 23518707 (cited by Labcorp Genetics (formerly Invitae), Labcorp).